The following is an entry in ClinVar:

NM_000368.5(TSC1):c.215T>A (p.Leu72His)

Gene: TSC1 (TSC complex subunit 1; minus strand). Cytogenetic location: 9q34.13.
Variant type: single nucleotide variant.
Coding change: c.215T>A on transcript NM_000368.5 (MANE Select); coding-DNA position 215, T replaced by A.
Protein change: p.Leu72His; replaces leucine 72 with histidine.
Molecular consequence: missense variant. On other transcripts: 5 prime UTR variant (1), intron variant (1).
Genome position (GRCh38, 1-based): chr9:132,925,735, A>T on the plus strand (T>A on the coding strand, the complement: TSC1 is on the minus strand). VCF-style: chr9-132925735-A-T. GRCh37 (hg19) VCF-style: chr9-135801122-A-T.
Other names: c.215T>A, p.Leu72His (NM_001162426.2, NM_001406592.1, NM_001406593.1 and 16 more transcripts); c.-149T>A (NM_001362177.2, NM_001406617.1, NM_001406618.1 and 5 more transcripts); c.-241T>A (NM_001406614.1, NM_001406616.1, NM_001406624.1); c.-274T>A (NM_001406615.1, NM_001406623.1); c.-663T>A (NM_001406626.1, NM_001406627.1, NM_001406628.1); c.-805T>A (NM_001406629.1); c.-879T>A (NM_001406630.1); c.210+1466T>A (NM_001162427.2); short protein forms L72H.
Identifiers: ClinVar variation 2005302 (VCV002005302.4), dbSNP rs118203354, ClinGen allele CA375374873.

ClinVar aggregate classification (germline): Uncertain significance (1 of 4 stars; one submission).

Conditions:
Tuberous sclerosis 1 (TSC1). Identifiers: Orphanet 805, MedGen C1854465, MONDO:0008612, OMIM 191100.

Submission:

Labcorp Genetics (formerly Invitae), Labcorp
Classification: Uncertain significance for Tuberous sclerosis 1. Last evaluated: 2022-07-03. Review status: criteria provided, single submitter. Criteria: Invitae Variant Classification Sherloc (09022015). Collection method: clinical testing. Allele origin: germline.
Comment: In summary, the available evidence is currently insufficient to determine the role of this variant in disease. Therefore, it has been classified as a Variant of Uncertain Significance. This variant disrupts the p.Leu72 amino acid residue in TSC1. Other variant(s) that disrupt this residue have been observed in individuals with TSC1-related conditions (PMID: 10533069), which suggests that this may be a clinically significant amino acid residue. Algorithms developed to predict the effect of missense changes on protein structure and function are either unavailable or do not agree on the potential impact of this missense change (SIFT: "Deleterious"; PolyPhen-2: "Probably Damaging"; Align-GVGD: "Class C0"). This missense change has been observed in individual(s) with clinical features of tuberous sclerosis (Invitae). This variant is not present in population databases (gnomAD no frequency). This sequence change replaces leucine, which is neutral and non-polar, with histidine, which is basic and polar, at codon 72 of the TSC1 protein (p.Leu72His).

Literature cited by the submitters: PubMed 10533069.